The following is an entry in ClinVar:

ClinVar aggregate classification (germline): Likely benign. Review status: criteria provided, single submitter (1 of 4 stars). 2 submissions from 2 submitters: Likely benign (1). 1 of the submissions does not count toward it. Last evaluated 2023-11-04.

Conditions:
Peroxisome biogenesis disorder. Identifiers: Orphanet 79189, MedGen C1832200, MONDO:0019234. Disease mechanism: loss of function.
PEX6-related disorder. Also called: PEX6-related condition; PEX6-related disorders.

Allele frequency attached by ClinVar (database versions not stated): gnomAD 0.00001; TOPMed 0.00001; ExAC 0.00002; gnomAD exomes 0.00002; ESP Exome Variant Server 0.00008.
gnomAD v4.1: 12 of 1,613,824 alleles (0.00074%); highest among the groups gnomAD compares: South Asian, 0.0088%; no homozygotes.

Submissions (2):

Labcorp Genetics (formerly Invitae), Labcorp
Classification: Likely benign for Peroxisome biogenesis disorder. Last evaluated: 2023-11-04. Review status: criteria provided, single submitter. Criteria: Invitae Variant Classification Sherloc (09022015). Collection method: clinical testing. Allele origin: germline.

PreventionGenetics, part of Exact Sciences
Classification: Likely benign for PEX6-related condition. Last evaluated: 2021-05-11. Review status: no assertion criteria provided. Collection method: clinical testing. Allele origin: germline. Not counted in ClinVar's aggregate classification.
Comment: This variant is classified as likely benign based on ACMG/AMP sequence variant interpretation guidelines (Richards et al. 2015 PMID: 25741868, with internal and published modifications).

NM_000287.4(PEX6):c.1260A>G (p.Pro420=)

Gene: PEX6 (peroxisomal biogenesis factor 6; minus strand). Cytogenetic location: 6p21.1.
Variant type: single nucleotide variant.
Coding change: c.1260A>G on transcript NM_000287.4 (MANE Select); coding-DNA position 1260, A replaced by G.
Protein change: p.Pro420=; no amino-acid change (proline 420 retained).
Molecular consequence: synonymous variant. On other transcripts: non-coding transcript variant (1).
Genome position (GRCh38, 1-based): chr6:42,969,775, T>C on the plus strand (A>G on the coding strand, the complement: PEX6 is on the minus strand). VCF-style: chr6-42969775-T-C. GRCh37 (hg19) VCF-style: chr6-42937513-T-C.
Other names: c.1260A>G (NM_000287.3); c.996A>G, p.Pro332= (NM_001316313.2).
Identifiers: ClinVar variation 1161719 (VCV001161719.11), dbSNP rs139409107, ClinGen allele CA3811381.